The following is an entry in ClinVar:

NM_022915.3(MRPL44):c.-400A>T

Gene: MRPL44 (mitochondrial ribosomal protein L44; plus strand). Cytogenetic location: 2q36.1.
Variant type: single nucleotide variant.
Coding change: c.-400A>T on transcript NM_022915.3; 400 bases upstream of the start codon, A replaced by T.
Genome position (GRCh38, 1-based): chr2:223,957,073, A>T. VCF-style: chr2-223957073-A-T. GRCh37 (hg19) VCF-style: chr2-224821790-A-T.
Identifiers: ClinVar variation 682627 (VCV000682627.3), dbSNP rs3806487, ClinGen allele CA11172918.

ClinVar aggregate classification (germline): Benign (1 of 4 stars; one submission).

Allele frequency attached by ClinVar (database versions not stated): TOPMed 0.30926; gnomAD 0.31890; 1000 Genomes Project 0.23802; 1000 Genomes Project 30x 0.23829.
gnomAD v4.1: 48,027 of 152,182 alleles (32%); highest among the groups gnomAD compares: Non-Finnish European, 41%; 8,781 homozygotes.

Submission:

GeneDx
Classification: Benign. Last evaluated: 2018-06-14. Review status: criteria provided, single submitter. Criteria: GeneDx Variant Classification (06012015). Collection method: clinical testing. Allele origin: germline. Affected: yes.
Comment: This variant is considered likely benign or benign based on one or more of the following criteria: it is a conservative change, it occurs at a poorly conserved position in the protein, it is predicted to be benign by multiple in silico algorithms, and/or has population frequency not consistent with disease.